The following is an entry in ClinVar:

NM_007294.4(BRCA1):c.3515A>T (p.Glu1172Val)

Genes: BRCA1 (BRCA1 DNA repair associated; minus strand), LOC126862571 (BRD4-independent group 4 enhancer GRCh37_chr17:41243136-41244335; plus strand). Cytogenetic location: 17q21.31.
Variant type: single nucleotide variant.
Coding change: c.3515A>T on transcript NM_007294.4 (MANE Select); coding-DNA position 3515, A replaced by T.
Protein change: p.Glu1172Val; replaces glutamic acid 1172 with valine.
Molecular consequence: missense variant. On other transcripts: intron variant (135).
Genome position (GRCh38, 1-based): chr17:43,092,016, T>A on the plus strand (A>T on the coding strand, the complement: BRCA1 is on the minus strand). VCF-style: chr17-43092016-T-A. GRCh37 (hg19) VCF-style: chr17-41244033-T-A.
Other names: c.578-984A>T (NM_001408480.1, NM_001408513.1, NM_001408492.1 and 9 more transcripts); c.779-984A>T (NM_001408408.1); c.662-984A>T (NM_001408446.1, NM_001408435.1, NM_001408448.1 and 6 more transcripts); c.785-984A>T (NM_001408401.1, NM_001408396.1, NM_001407985.1 and 13 more transcripts); c.548-984A>T (NM_001408494.1); c.665-984A>T (NM_001408444.1, NM_001408438.1, NM_001408430.1 and 12 more transcripts); c.671-984A>T (NM_001408423.1, NM_001408420.1, NM_001408419.1 and 2 more transcripts); c.788-984A>T (NM_001408404.1, NM_001408472.1, NM_001407990.1 and 17 more transcripts); and 41 more; short protein forms E1125V, E1172V, E1060V, E1131V, E1146V, E1169V, E876V, E1044V.
Identifiers: ClinVar variation 993047 (VCV000993047.4), dbSNP rs80357206, ClinGen allele CA10594941.

ClinVar aggregate classification (germline): Conflicting classifications of pathogenicity. Review status: criteria provided, conflicting classifications (1 of 4 stars). 2 submissions from 2 submitters: Uncertain significance (1); Likely benign (1). Last evaluated 2023-03-23.

Conditions:
Hereditary cancer-predisposing syndrome. Also called: Neoplastic Syndromes, Hereditary; Hereditary Cancer Syndrome; Tumor predisposition; Hereditary neoplastic syndrome. Identifiers: Orphanet 140162, MedGen C0027672, MeSH D009386, MONDO:0015356.

Submissions (2):

University of Washington Department of Laboratory Medicine, University of Washington
Classification: Likely benign for Hereditary cancer-predisposing syndrome. Last evaluated: 2023-03-23. Review status: criteria provided, single submitter. Criteria: Dines et al. (Genet Med. 2020). Collection method: curation. Allele origin: germline.
Comment: Missense variant in a coldspot region where missense variants are very unlikely to be pathogenic (PMID:31911673).

BRCA1 coldspot (exon 11 using historical exon numbering). Reclassification based on statistical prior probability

Quest Diagnostics Nichols Institute San Juan Capistrano
Classification: Uncertain significance. Last evaluated: 2019-11-25. Review status: criteria provided, single submitter. Criteria: Quest Diagnostics criteria. Collection method: clinical testing. Allele origin: unknown.